The following is an entry in ClinVar:

NM_006947.4(SRP72):c.1633G>A (p.Glu545Lys)

Gene: SRP72 (signal recognition particle 72; plus strand). Cytogenetic location: 4q12.
Variant type: single nucleotide variant.
Coding change: c.1633G>A on transcript NM_006947.4 (MANE Select); coding-DNA position 1633, G replaced by A.
Protein change: p.Glu545Lys; replaces glutamic acid 545 with lysine.
Molecular consequence: missense variant. On other transcripts: non-coding transcript variant (1).
Genome position (GRCh38, 1-based): chr4:56,491,561, G>A. VCF-style: chr4-56491561-G-A. GRCh37 (hg19) VCF-style: chr4-57357727-G-A.
Other names: c.1450G>A, p.Glu484Lys (NM_001267722.2); short protein forms E545K, E484K.
Identifiers: ClinVar variation 3801470 (VCV003801470.1).

ClinVar aggregate classification (germline): Uncertain significance (1 of 4 stars; one submission).

Submission:

Ambry Genetics
Classification: Uncertain significance. Last evaluated: 2025-01-31. Review status: criteria provided, single submitter. Criteria: Ambry Variant Classification Scheme 2023. Collection method: clinical testing. Allele origin: germline.
Comment: The p.E545K variant (also known as c.1633G>A), located in coding exon 16 of the SRP72 gene, results from a G to A substitution at nucleotide position 1633. The glutamic acid at codon 545 is replaced by lysine, an amino acid with similar properties. This amino acid position is conserved. In addition, this alteration is predicted to be tolerated by in silico analysis. Based on the available evidence, the clinical significance of this variant remains unclear.